The following is an entry in ClinVar:

NM_032242.4(PLXNA1):c.5C>T (p.Pro2Leu)

Gene: PLXNA1 (plexin A1; plus strand). Cytogenetic location: 3q21.3.
Variant type: single nucleotide variant.
Coding change: c.5C>T on transcript NM_032242.4 (MANE Select); coding-DNA position 5, C replaced by T.
Protein change: p.Pro2Leu; replaces proline 2 with leucine.
Molecular consequence: missense variant.
Genome position (GRCh38, 1-based): chr3:126,988,598, C>T. VCF-style: chr3-126988598-C-T. GRCh37 (hg19) VCF-style: chr3-126707441-C-T.
Other names: c.5C>T (NM_032242.3); short protein forms P2L.
Identifiers: ClinVar variation 1636419 (VCV001636419.11), dbSNP rs576960383, ClinGen allele CA2592871.

ClinVar aggregate classification (germline): Likely benign. Review status: criteria provided, multiple submitters, no conflicts (2 of 4 stars). 3 submissions from 3 submitters: Likely benign (2). 1 of the submissions does not count toward it. Last evaluated 2021-12-02.

Conditions:
PLXNA1-related disorder. Also called: PLXNA1-related condition.

Allele frequency attached by ClinVar (database versions not stated): 1000 Genomes Project 30x 0.00016; 1000 Genomes Project 0.00020; gnomAD exomes 0.00065; ExAC 0.00352.
gnomAD v4.1: 575 of 1,509,646 alleles (0.038%); highest among the groups gnomAD compares: African/African-American, 0.019%; no homozygotes.

Submissions (3):

Labcorp Genetics (formerly Invitae), Labcorp
Classification: Likely benign. Last evaluated: 2021-12-02. Review status: criteria provided, single submitter. Criteria: Invitae Variant Classification Sherloc (09022015). Collection method: clinical testing. Allele origin: germline.

Breakthrough Genomics
Classification: Likely benign. Review status: criteria provided, single submitter. Criteria: ACMG Guidelines, 2015. Collection method: not provided. Allele origin: germline. Inheritance: Autosomal recessive inheritance. Affected: yes.

PreventionGenetics, part of Exact Sciences
Classification: Likely benign for PLXNA1-related condition. Last evaluated: 2021-12-20. Review status: no assertion criteria provided. Collection method: clinical testing. Allele origin: germline. Not counted in ClinVar's aggregate classification.
Comment: This variant is classified as likely benign based on ACMG/AMP sequence variant interpretation guidelines (Richards et al. 2015 PMID: 25741868, with internal and published modifications).